The following is an entry in ClinVar:

ClinVar aggregate classification (germline): Pathogenic (1 of 4 stars; one submission).

Conditions:
Glycogen storage disease XV (GSD15). Also called: GLYCOGENIN DEFICIENCY; GSD XV. Identifiers: Orphanet 263297, MedGen C3150754, MONDO:0013291, OMIM 613507.
Polyglucosan body myopathy type 2. Identifiers: Orphanet 456369, MedGen C4015452, MONDO:0014526, OMIM 616199.

Submission:

Labcorp Genetics (formerly Invitae), Labcorp
Classification: Pathogenic for Polyglucosan body myopathy type 2; Glycogen storage disease XV. Last evaluated: 2023-03-18. Review status: criteria provided, single submitter. Criteria: Invitae Variant Classification Sherloc (09022015). Collection method: clinical testing. Allele origin: unknown.
Comment: For these reasons, this variant has been classified as Pathogenic. This variant has not been reported in the literature in individuals affected with GYG1-related conditions. This variant is a gross deletion of the genomic region encompassing exon(s) 1 of the GYG1 gene, which includes the initiator codon. This deletion extends beyond the assayed region for this gene and therefore may encompass additional genes. It is expected to result in an absent or disrupted protein product. Loss-of-function variants in GYG1 are known to be pathogenic (PMID: 20357282, 25272951).

Literature cited by the submitters: PubMed 20357282; PubMed 25272951.

NC_000003.11:g.(?_148709428)_(148709454_?)del

Gene: GYG1 (glycogenin 1; plus strand). Cytogenetic location: 3q24.
Variant type: Deletion.
Identifiers: ClinVar variation 3246935 (VCV003246935.1).